The following is an entry in ClinVar:

NM_002485.5(NBN):c.1480C>A (p.Gln494Lys)

Gene: NBN (nibrin; minus strand). Cytogenetic location: 8q21.3.
Variant type: single nucleotide variant.
Coding change: c.1480C>A on transcript NM_002485.5 (MANE Select); coding-DNA position 1480, C replaced by A.
Protein change: p.Gln494Lys; replaces glutamine 494 with lysine.
Molecular consequence: missense variant.
Genome position (GRCh38, 1-based): chr8:89,953,609, G>T on the plus strand (C>A on the coding strand, the complement: NBN is on the minus strand). VCF-style: chr8-89953609-G-T. GRCh37 (hg19) VCF-style: chr8-90965837-G-T.
Other names: c.1234C>A, p.Gln412Lys (NM_001024688.3); short protein forms Q494K, Q412K.
Identifiers: ClinVar variation 141181 (VCV000141181.27), dbSNP rs587781557, ClinGen allele CA164698.

ClinVar aggregate classification (germline): Uncertain significance. Review status: criteria provided, multiple submitters, no conflicts (2 of 4 stars). 6 submissions from 6 submitters: Uncertain significance (5). 1 of the submissions does not count toward it. Last evaluated 2025-02-26.

Conditions:
Hereditary cancer-predisposing syndrome. Also called: Neoplastic Syndromes, Hereditary; Hereditary Cancer Syndrome; Hereditary neoplastic syndrome; Tumor predisposition. Identifiers: Orphanet 140162, MedGen C0027672, MeSH D009386, MONDO:0015356.
Aplastic anemia. Identifiers: Orphanet 182040, Orphanet 88, MedGen C0002874, MONDO:0015909, OMIM 609135, HP:0001915.
Microcephaly, normal intelligence and immunodeficiency (NBS). Also called: Immunodeficiency, microcephaly with normal intelligence; SEEMANOVA SYNDROME II; Nijmegen breakage syndrome; Microcephaly with normal intelligence immunodeficiency and lymphoreticular malignancies; Nonsyndromal microcephaly autosomal recessive with normal intelligence; Seemanova syndrome 2. Identifiers: Orphanet 647, MedGen C0398791, MONDO:0009623, OMIM 251260.

Allele frequency attached by ClinVar (database versions not stated): gnomAD 0.00001.

Submissions (6):

Labcorp Genetics (formerly Invitae), Labcorp
Classification: Uncertain significance for Microcephaly, normal intelligence and immunodeficiency. Last evaluated: 2025-02-26. Review status: criteria provided, single submitter. Criteria: Invitae Variant Classification Sherloc (09022015). Collection method: clinical testing. Allele origin: germline.
Comment: This sequence change replaces glutamine, which is neutral and polar, with lysine, which is basic and polar, at codon 494 of the NBN protein (p.Gln494Lys). This variant is not present in population databases (gnomAD no frequency). This variant has not been reported in the literature in individuals affected with NBN-related conditions. ClinVar contains an entry for this variant (Variation ID: 141181). An algorithm developed to predict the effect of missense changes on protein structure and function (PolyPhen-2) suggests that this variant is likely to be tolerated. In summary, the available evidence is currently insufficient to determine the role of this variant in disease. Therefore, it has been classified as a Variant of Uncertain Significance.

Ambry Genetics
Classification: Uncertain significance for Hereditary cancer-predisposing syndrome. Last evaluated: 2024-04-04. Review status: criteria provided, single submitter. Criteria: Ambry Variant Classification Scheme 2023. Collection method: clinical testing. Allele origin: germline.
Comment: The p.Q494K variant (also known as c.1480C>A), located in coding exon 11 of the NBN gene, results from a C to A substitution at nucleotide position 1480. The glutamine at codon 494 is replaced by lysine, an amino acid with similar properties. This amino acid position is well conserved in available vertebrate species.. In addition, this alteration is predicted to be tolerated by in silico analysis. Since supporting evidence is limited at this time, the clinical significance of this alteration remains unclear.

Baylor Genetics
Classification: Uncertain significance for Aplastic anemia. Last evaluated: 2024-01-12. Review status: criteria provided, single submitter. Criteria: ACMG Guidelines, 2015. Collection method: clinical testing. Allele origin: unknown.

Revvity Omics, Revvity
Classification: Uncertain significance. Last evaluated: 2023-07-25. Review status: criteria provided, single submitter. Criteria: ACMG Guidelines, 2015. Collection method: clinical testing. Allele origin: germline.

Genome-Nilou Lab
Classification: Uncertain significance for Microcephaly, normal intelligence and immunodeficiency. Last evaluated: 2021-11-07. Review status: criteria provided, single submitter. Criteria: ACMG Guidelines, 2015. Collection method: clinical testing. Allele origin: germline. Affected: no.

Natera, Inc.
Classification: Uncertain significance for Nijmegen breakage syndrome. Last evaluated: 2020-11-16. Review status: no assertion criteria provided. Collection method: clinical testing. Allele origin: germline. Not counted in ClinVar's aggregate classification.